The following is an entry in ClinVar:

NM_001128178.3(NPHP1):c.922A>G (p.Arg308Gly)

Gene: NPHP1 (nephrocystin 1; minus strand). Cytogenetic location: 2q13.
Variant type: single nucleotide variant.
Coding change: c.922A>G on transcript NM_001128178.3 (MANE Select); coding-DNA position 922, A replaced by G.
Protein change: p.Arg308Gly; replaces arginine 308 with glycine.
Molecular consequence: missense variant.
Genome position (GRCh38, 1-based): chr2:110,161,635, T>C on the plus strand (A>G on the coding strand, the complement: NPHP1 is on the minus strand). VCF-style: chr2-110161635-T-C. GRCh37 (hg19) VCF-style: chr2-110919212-T-C.
Other names: c.1090A>G, p.Arg364Gly (NM_000272.5); c.733A>G, p.Arg245Gly (NM_001128179.3); c.919A>G, p.Arg307Gly (NM_001374256.1); c.922A>G, p.Arg308Gly (NM_001374257.1); c.1087A>G, p.Arg363Gly (NM_207181.4); short protein forms R308G, R307G, R364G, R245G, R363G.
Identifiers: ClinVar variation 1496864 (VCV001496864.3), dbSNP rs1404351082, ClinGen allele CA348090125.

ClinVar aggregate classification (germline): Uncertain significance (1 of 4 stars; one submission).

Conditions:
Nephronophthisis. Also called: Juvenile Nephronophthisis. Identifiers: Orphanet 655, MedGen C0687120, MONDO:0019005, HP:0000090.

Allele frequency attached by ClinVar (database versions not stated): gnomAD exomes below 0.00001 and 0.00001; TOPMed below 0.00001.
gnomAD v4.1: 4 of 1,612,356 alleles (0.00025%); highest among the groups gnomAD compares: Admixed American, 0.0033%; no homozygotes.

Submission:

Labcorp Genetics (formerly Invitae), Labcorp
Classification: Uncertain significance for Nephronophthisis. Last evaluated: 2022-08-23. Review status: criteria provided, single submitter. Criteria: Invitae Variant Classification Sherloc (09022015). Collection method: clinical testing. Allele origin: germline.
Comment: This sequence change replaces arginine, which is basic and polar, with glycine, which is neutral and non-polar, at codon 364 of the NPHP1 protein (p.Arg364Gly). This variant is present in population databases (no rsID available, gnomAD 0.003%). This variant has not been reported in the literature in individuals affected with NPHP1-related conditions. ClinVar contains an entry for this variant (Variation ID: 1496864). Algorithms developed to predict the effect of missense changes on protein structure and function are either unavailable or do not agree on the potential impact of this missense change (SIFT: "Deleterious"; PolyPhen-2: "Benign"; Align-GVGD: "Class C0"). In summary, the available evidence is currently insufficient to determine the role of this variant in disease. Therefore, it has been classified as a Variant of Uncertain Significance.